The following is an entry in ClinVar:

NM_000088.4(COL1A1):c.3227G>A (p.Gly1076Asp)

Gene: COL1A1 (collagen type I alpha 1 chain; minus strand). Cytogenetic location: 17q21.33.
Variant type: single nucleotide variant.
Coding change: c.3227G>A on transcript NM_000088.4 (MANE Select); coding-DNA position 3227, G replaced by A.
Protein change: p.Gly1076Asp; replaces glycine 1076 with aspartic acid.
Molecular consequence: missense variant.
Genome position (GRCh38, 1-based): chr17:50,188,130, C>T on the plus strand (G>A on the coding strand, the complement: COL1A1 is on the minus strand). VCF-style: chr17-50188130-C-T. GRCh37 (hg19) VCF-style: chr17-48265491-C-T.
Other names: short protein forms G1076D.
Identifiers: ClinVar variation 4850699 (VCV004850699.1).

ClinVar aggregate classification (germline): Likely pathogenic (1 of 4 stars; one submission).

Conditions:
autosomal dominant COL1A1-related osteogenesis imperfecta.

Submission:

Variantyx, Inc.
Classification: Likely pathogenic for autosomal dominant COL1A1-related osteogenesis imperfecta. Last evaluated: 2025-05-19. Review status: criteria provided, single submitter. Criteria: Variantyx Assertion Criteria 2022. Collection method: clinical testing. Allele origin: de novo. Inheritance: Autosomal dominant inheritance. Affected: yes.
Comment: This is a nonsynonymous variant in the COL1A1 gene (OMIM: 120150). Pathogenic variants in this gene have been associated with autosomal dominant COL1A1-related osteogenesis imperfecta. Multiple computational algorithms predict a deleterious effect for this variant (REVEL score: 0.992) (PP3), the variant lies within a known hotspot for pathogenic variants or a well-established critical functional domain of the COL1A1 protein (PM1), and an alternate amino acid change at this position (p.Gly1076Ser) has been previously reported in ClinVar in a similarly affected individual (PMID:9101304, 26177859, 29150909, 29499418), which suggests that this residue is biologically important (Variation ID: 425618) (PM5). This variant is absent from control populations (PM2). Based on the current evidence, this variant is classified as likely pathogenic for autosomal dominant COL1A1-related osteogenesis imperfecta.

Literature cited by the submitters: PubMed 9101304; PubMed 26177859; PubMed 29150909; PubMed 29499418.